The following is an entry in ClinVar:

ClinVar aggregate classification (germline): Uncertain significance. Review status: criteria provided, multiple submitters, no conflicts (2 of 4 stars). 2 submissions from 2 submitters: Uncertain significance (2). Last evaluated 2025-08-12.

Conditions:
Inborn genetic diseases. Identifiers: MedGen C0950123, MeSH D030342.
Acute myeloid leukemia (AML). Also called: Acute myeloid leukemia, adult; AML adult; Acute non-lymphocytic leukemia; Acute granulocytic leukemia; Leukemia, acute myelogenous, somatic; Leukemia, acute myeloid, somatic. Identifiers: Orphanet 519, MedGen C0023467, MeSH D015470, MONDO:0018874, OMIM 601626, HP:0004808. Disease mechanism: Constitutively activated FLT3.

Allele frequency attached by ClinVar (database versions not stated): gnomAD 0.00001.

Submissions (2):

Ambry Genetics
Classification: Uncertain significance for Inborn genetic diseases. Last evaluated: 2025-08-12. Review status: criteria provided, single submitter. Criteria: Ambry Variant Classification Scheme 2023. Collection method: clinical testing. Allele origin: germline.
Comment: The p.P109A variant (also known as c.325C>G), located in coding exon 1 of the CEBPA gene, results from a C to G substitution at nucleotide position 325. The proline at codon 109 is replaced by alanine, an amino acid with highly similar properties. This amino acid position is conserved. In addition, this alteration is predicted to be tolerated by in silico analysis. Based on the available evidence, the clinical significance of this variant remains unclear.

Labcorp Genetics (formerly Invitae), Labcorp
Classification: Uncertain significance for Acute myeloid leukemia. Last evaluated: 2023-07-14. Review status: criteria provided, single submitter. Criteria: Invitae Variant Classification Sherloc (09022015). Collection method: clinical testing. Allele origin: germline.
Comment: In summary, the available evidence is currently insufficient to determine the role of this variant in disease. Therefore, it has been classified as a Variant of Uncertain Significance. Advanced modeling of protein sequence and biophysical properties (such as structural, functional, and spatial information, amino acid conservation, physicochemical variation, residue mobility, and thermodynamic stability) performed at Invitae indicates that this missense variant is not expected to disrupt CEBPA protein function. ClinVar contains an entry for this variant (Variation ID: 998552). This variant has not been reported in the literature in individuals affected with CEBPA-related conditions. This variant is not present in population databases (gnomAD no frequency). This sequence change replaces proline, which is neutral and non-polar, with alanine, which is neutral and non-polar, at codon 109 of the CEBPA protein (p.Pro109Ala).

NM_004364.5(CEBPA):c.325C>G (p.Pro109Ala)

Gene: CEBPA (CCAAT enhancer binding protein alpha; minus strand). Cytogenetic location: 19q13.11.
Variant type: single nucleotide variant.
Coding change: c.325C>G on transcript NM_004364.5 (MANE Select); coding-DNA position 325, C replaced by G.
Protein change: p.Pro109Ala; replaces proline 109 with alanine.
Molecular consequence: missense variant. On other transcripts: 5 prime UTR variant (1).
Genome position (GRCh38, 1-based): chr19:33,302,090, G>C on the plus strand (C>G on the coding strand, the complement: CEBPA is on the minus strand). VCF-style: chr19-33302090-G-C. GRCh37 (hg19) VCF-style: chr19-33792996-G-C.
Other names: c.-33C>G (NM_001285829.2); c.430C>G, p.Pro144Ala (NM_001287424.2); c.283C>G, p.Pro95Ala (NM_001287435.2); c.325C>G (NM_004364.3); short protein forms P109A, P144A, P95A.
Identifiers: ClinVar variation 998552 (VCV000998552.10), dbSNP rs1027991203, ClinGen allele CA405275182.